The following is an entry in ClinVar:

NM_001330078.2(NRXN1):c.3675G>T (p.Thr1225=)

Gene: NRXN1 (neurexin 1; minus strand). Cytogenetic location: 2p16.3.
Variant type: single nucleotide variant.
Coding change: c.3675G>T on transcript NM_001330078.2 (MANE Select); coding-DNA position 3675, G replaced by T.
Protein change: p.Thr1225=; no amino-acid change (threonine 1225 retained).
Molecular consequence: synonymous variant.
Genome position (GRCh38, 1-based): chr2:50,091,366, C>A on the plus strand (G>T on the coding strand, the complement: NRXN1 is on the minus strand). VCF-style: chr2-50091366-C-A. GRCh37 (hg19) VCF-style: chr2-50318504-C-A.
Other names: c.3795G>T, p.Thr1265= (NM_001135659.3); c.3651G>T, p.Thr1217= (NM_001330077.2, NM_001330082.2); c.3609G>T, p.Thr1203= (NM_001330083.2, NM_001330084.2); c.3648G>T, p.Thr1216= (NM_001330085.2); c.3675G>T, p.Thr1225= (NM_001330086.2, NM_004801.6); c.3564G>T, p.Thr1188= (NM_001330087.2, NM_001330096.2); c.3594G>T, p.Thr1198= (NM_001330088.2); c.570G>T, p.Thr190= (NM_001330091.2, NM_001330092.2, NM_001330097.2 and 1 more transcripts); and 3 more.
Identifiers: ClinVar variation 514953 (VCV000514953.1), dbSNP rs200179221, ClinGen allele CA426101576.

ClinVar aggregate classification (germline): Likely benign (1 of 4 stars; one submission).

gnomAD v4.1: 2 of 1,614,206 alleles (0.00012%); highest among the groups gnomAD compares: Admixed American, 0.0017%; no homozygotes.

Submission:

GeneDx
Classification: Likely benign. Last evaluated: 2018-01-25. Review status: criteria provided, single submitter. Criteria: GeneDx Variant Classification (06012015). Collection method: clinical testing. Allele origin: germline. Affected: yes.
Comment: This variant is considered likely benign or benign based on one or more of the following criteria: it is a conservative change, it occurs at a poorly conserved position in the protein, it is predicted to be benign by multiple in silico algorithms, and/or has population frequency not consistent with disease.